The following is an entry in ClinVar:

ClinVar aggregate classification (germline): Uncertain significance (1 of 4 stars; one submission).

Submission:

Labcorp Genetics (formerly Invitae), Labcorp
Classification: Uncertain significance. Last evaluated: 2022-02-10. Review status: criteria provided, single submitter. Criteria: Invitae Variant Classification Sherloc (09022015). Collection method: clinical testing. Allele origin: germline.
Comment: This sequence change replaces glutamine, which is neutral and polar, with arginine, which is basic and polar, at codon 1355 of the FN1 protein (p.Gln1355Arg). This variant is not present in population databases (gnomAD no frequency). This variant has not been reported in the literature in individuals affected with FN1-related conditions. Algorithms developed to predict the effect of missense changes on protein structure and function are either unavailable or do not agree on the potential impact of this missense change (SIFT: "Not Available"; PolyPhen-2: "Possibly Damaging"; Align-GVGD: "Not Available"). In summary, the available evidence is currently insufficient to determine the role of this variant in disease. Therefore, it has been classified as a Variant of Uncertain Significance.

NM_212482.4(FN1):c.4064A>G (p.Gln1355Arg)

Gene: FN1 (fibronectin 1; minus strand). Cytogenetic location: 2q35.
Variant type: single nucleotide variant.
Coding change: c.4064A>G on transcript NM_212482.4 (MANE Select); coding-DNA position 4064, A replaced by G.
Protein change: p.Gln1355Arg; replaces glutamine 1355 with arginine.
Molecular consequence: missense variant. On other transcripts: intron variant (10).
Genome position (GRCh38, 1-based): chr2:215,392,936, T>C on the plus strand (A>G on the coding strand, the complement: FN1 is on the minus strand). VCF-style: chr2-215392936-T-C. GRCh37 (hg19) VCF-style: chr2-216257659-T-C.
Other names: c.4064A>G, p.Gln1355Arg (NM_001306129.2, NM_001306130.2, NM_001365517.2 and 3 more transcripts); c.3797-1122A>G (NM_212474.3, NM_001306132.2, NM_001365523.2 and 7 more transcripts); short protein forms Q1355R.
Identifiers: ClinVar variation 1462058 (VCV001462058.6), dbSNP rs2106090049, ClinGen allele CA350484796.